The following is an entry in ClinVar:

ClinVar aggregate classification (germline): Uncertain significance (1 of 4 stars; one submission).

Submission:

GeneDx
Classification: Uncertain significance. Last evaluated: 2020-07-07. Review status: criteria provided, single submitter. Criteria: GeneDx Variant Classification Process June 2021. Collection method: clinical testing. Allele origin: germline. Affected: yes.
Comment: Not observed in large population cohorts (Lek et al., 2016); In silico analysis supports that this missense variant has a deleterious effect on protein structure/function; Has not been previously published as pathogenic or benign to our knowledge

NM_001999.4(FBN2):c.4357T>C (p.Cys1453Arg)

Gene: FBN2 (fibrillin 2; minus strand). Cytogenetic location: 5q23.3.
Variant type: single nucleotide variant.
Coding change: c.4357T>C on transcript NM_001999.4 (MANE Select); coding-DNA position 4357, T replaced by C.
Protein change: p.Cys1453Arg; replaces cysteine 1453 with arginine.
Molecular consequence: missense variant.
Genome position (GRCh38, 1-based): chr5:128,328,810, A>G on the plus strand (T>C on the coding strand, the complement: FBN2 is on the minus strand). VCF-style: chr5-128328810-A-G. GRCh37 (hg19) VCF-style: chr5-127664502-A-G.
Other names: short protein forms C1453R.
Identifiers: ClinVar variation 1304083 (VCV001304083.2), dbSNP rs2126886879, ClinGen allele CA360753265.
Genomic context (GRCh38, chr5:128,328,810, plus strand): 5'-GATATGCACCCGGGACATTAAGGCACTGTCCGTTCTCACAGAGGTTTATGTTTTCTGCAC[A>G]CTCATCAACATCTGTGCAAAAAAGCAAATTACATCTCTGTTAAGTTCCAAATTTCATGAC-3'
Protein context (NP_001990.2, residues 1443-1463): DGFTCSDVDE[Cys1453Arg]AENINLCENG